The following is an entry in ClinVar:

NM_000094.4(COL7A1):c.4264G>A (p.Glu1422Lys)

Gene: COL7A1 (collagen type VII alpha 1 chain; minus strand). Cytogenetic location: 3p21.31.
Variant type: single nucleotide variant.
Coding change: c.4264G>A on transcript NM_000094.4 (MANE Select); coding-DNA position 4264, G replaced by A.
Protein change: p.Glu1422Lys; replaces glutamic acid 1422 with lysine.
Molecular consequence: missense variant.
Genome position (GRCh38, 1-based): chr3:48,583,914, C>T on the plus strand (G>A on the coding strand, the complement: COL7A1 is on the minus strand). VCF-style: chr3-48583914-C-T. GRCh37 (hg19) VCF-style: chr3-48621347-C-T.
Other names: c.4264G>A (NM_000094.3); short protein forms E1422K.
Identifiers: ClinVar variation 1524006 (VCV001524006.9), dbSNP rs369814181, ClinGen allele CA2380134.
Genomic context (GRCh38, chr3:48,583,914, plus strand): 5'-CCACACCCCTGAGCAGGGCCCCCAGCAGAGCCTCAAGGCCCCTCACCGGCAGCCCAGGCT[C>T]CCCAGGAGCAATGCCACCTTCACCTGGTCCAGGGGGACCCTGGGAGAGAACAGCAGGTCA-3'
Protein context (NP_000085.1, residues 1412-1432): GPGEGGIAPG[Glu1422Lys]PGLPGLPGSP

ClinVar aggregate classification (germline): Uncertain significance. Review status: criteria provided, multiple submitters, no conflicts (2 of 4 stars). 3 submissions from 3 submitters: Uncertain significance (2). 1 of the submissions does not count toward it. Last evaluated 2026-02-20.

Conditions:
COL7A1-related disorder. Also called: COL7A1-related condition; COL7A1- related disorders.

Allele frequency attached by ClinVar (database versions not stated): gnomAD 0.00001; gnomAD exomes 0.00001 and 0.00002; ExAC 0.00002; ESP Exome Variant Server 0.00008.
gnomAD v4.1: 12 of 1,613,834 alleles (0.00074%); highest among the groups gnomAD compares: Non-Finnish European, 0.00093%; no homozygotes.

Submissions (3):

Women's Health and Genetics/Laboratory Corporation of America, LabCorp
Classification: Uncertain significance. Last evaluated: 2026-02-20. Review status: criteria provided, single submitter. Criteria: LabCorp Variant Classification Summary - May 2015. Collection method: clinical testing. Allele origin: germline.

Labcorp Genetics (formerly Invitae), Labcorp
Classification: Uncertain significance. Last evaluated: 2024-11-29. Review status: criteria provided, single submitter. Criteria: Invitae Variant Classification Sherloc (09022015). Collection method: clinical testing. Allele origin: germline.
Comment: This sequence change replaces glutamic acid, which is acidic and polar, with lysine, which is basic and polar, at codon 1422 of the COL7A1 protein (p.Glu1422Lys). This variant is present in population databases (rs369814181, gnomAD 0.004%). This variant has not been reported in the literature in individuals affected with COL7A1-related conditions. ClinVar contains an entry for this variant (Variation ID: 1524006). Invitae Evidence Modeling of protein sequence and biophysical properties (such as structural, functional, and spatial information, amino acid conservation, physicochemical variation, residue mobility, and thermodynamic stability) indicates that this missense variant is not expected to disrupt COL7A1 protein function with a negative predictive value of 95%. In summary, the available evidence is currently insufficient to determine the role of this variant in disease. Therefore, it has been classified as a Variant of Uncertain Significance.

PreventionGenetics, part of Exact Sciences
Classification: Uncertain significance for COL7A1-related condition. Last evaluated: 2024-01-24. Review status: no assertion criteria provided. Collection method: clinical testing. Allele origin: germline. Not counted in ClinVar's aggregate classification.
Comment: The COL7A1 c.4264G>A variant is predicted to result in the amino acid substitution p.Glu1422Lys. To our knowledge, this variant has not been reported in the literature. This variant is reported in 0.0039% of alleles in individuals of European (Non-Finnish) descent in gnomAD. At this time, the clinical significance of this variant is uncertain due to the absence of conclusive functional and genetic evidence.